The following is an entry in ClinVar:

NM_173354.5(SIK1):c.673G>C (p.Asp225His)

Gene: SIK1 (salt inducible kinase 1; minus strand). Cytogenetic location: 21q22.3.
Variant type: single nucleotide variant.
Coding change: c.673G>C on transcript NM_173354.5 (MANE Select); coding-DNA position 673, G replaced by C.
Protein change: p.Asp225His; replaces aspartic acid 225 with histidine.
Molecular consequence: missense variant.
Genome position (GRCh38, 1-based): chr21:43,421,085, C>G on the plus strand (G>C on the coding strand, the complement: SIK1 is on the minus strand). VCF-style: chr21-43421085-C-G. GRCh37 (hg19) VCF-style: chr21-44840965-C-G.
Other names: short protein forms D225H.
Identifiers: ClinVar variation 933882 (VCV000933882.10), dbSNP rs768610335, ClinGen allele CA410609655.

ClinVar aggregate classification (germline): Uncertain significance (1 of 4 stars; one submission).

Conditions:
Developmental and epileptic encephalopathy, 30 (DEE30). Also called: Epileptic encephalopathy, early infantile, 30. Identifiers: MedGen C4225360, MONDO:0014595, OMIM 616341.

Submission:

Labcorp Genetics (formerly Invitae), Labcorp
Classification: Uncertain significance for Developmental and epileptic encephalopathy, 30. Last evaluated: 2024-04-22. Review status: criteria provided, single submitter. Criteria: Invitae Variant Classification Sherloc (09022015). Collection method: clinical testing. Allele origin: germline.
Comment: This sequence change replaces aspartic acid, which is acidic and polar, with histidine, which is basic and polar, at codon 225 of the SIK1 protein (p.Asp225His). This variant is not present in population databases (gnomAD no frequency). This variant has not been reported in the literature in individuals affected with SIK1-related conditions. ClinVar contains an entry for this variant (Variation ID: 933882). Advanced modeling of protein sequence and biophysical properties (such as structural, functional, and spatial information, amino acid conservation, physicochemical variation, residue mobility, and thermodynamic stability) performed at Invitae indicates that this missense variant is not expected to disrupt SIK1 protein function with a negative predictive value of 95%. In summary, the available evidence is currently insufficient to determine the role of this variant in disease. Therefore, it has been classified as a Variant of Uncertain Significance.